The following is an entry in ClinVar:

NM_020988.3(GNAO1):c.884A>G (p.Asn295Ser)

Gene: GNAO1 (G protein subunit alpha o1; plus strand). Cytogenetic location: 16q13.
Variant type: single nucleotide variant.
Coding change: c.884A>G on transcript NM_020988.3 (MANE Select); coding-DNA position 884, A replaced by G.
Protein change: p.Asn295Ser; replaces asparagine 295 with serine.
Molecular consequence: missense variant.
Genome position (GRCh38, 1-based): chr16:56,354,872, A>G. VCF-style: chr16-56354872-A-G. GRCh37 (hg19) VCF-style: chr16-56388784-A-G.
Other names: short protein forms N295S.
Identifiers: ClinVar variation 850688 (VCV000850688.13), dbSNP rs371362351, ClinGen allele CA8064022.

ClinVar aggregate classification (germline): Uncertain significance. Review status: criteria provided, multiple submitters, no conflicts (2 of 4 stars). 3 submissions from 3 submitters: Uncertain significance (3). Last evaluated 2024-04-26.

Conditions:
Early-infantile DEE. Also called: Early infantile epileptic encephalopathy; Early infantile epileptic encephalopathy with suppression bursts; Ohtahara syndrome. Identifiers: Orphanet 1934, MedGen C0393706, MONDO:0800491.

Allele frequency attached by ClinVar (database versions not stated): ExAC 0.00001; gnomAD 0.00001; gnomAD exomes 0.00001; TOPMed 0.00001; ESP Exome Variant Server 0.00008.
gnomAD v4.1: 15 of 1,610,224 alleles (0.00093%); highest among the groups gnomAD compares: Admixed American, 0.0017%; no homozygotes.

Submissions (3):

Labcorp Genetics (formerly Invitae), Labcorp
Classification: Uncertain significance for Early-infantile DEE. Last evaluated: 2024-04-26. Review status: criteria provided, single submitter. Criteria: Invitae Variant Classification Sherloc (09022015). Collection method: clinical testing. Allele origin: germline.
Comment: This sequence change replaces asparagine, which is neutral and polar, with serine, which is neutral and polar, at codon 295 of the GNAO1 protein (p.Asn295Ser). This variant is present in population databases (rs371362351, gnomAD 0.0009%). This variant has not been reported in the literature in individuals affected with GNAO1-related conditions. ClinVar contains an entry for this variant (Variation ID: 850688). Advanced modeling of protein sequence and biophysical properties (such as structural, functional, and spatial information, amino acid conservation, physicochemical variation, residue mobility, and thermodynamic stability) has been performed at Invitae for this missense variant, however the output from this modeling did not meet the statistical confidence thresholds required to predict the impact of this variant on GNAO1 protein function. In summary, the available evidence is currently insufficient to determine the role of this variant in disease. Therefore, it has been classified as a Variant of Uncertain Significance.

Blueprint Genetics
Classification: Uncertain significance. Last evaluated: 2023-06-01. Review status: criteria provided, single submitter. Criteria: ACMG Guidelines, 2015. Collection method: clinical testing. Allele origin: germline.

GeneDx
Classification: Uncertain significance. Last evaluated: 2019-04-01. Review status: criteria provided, single submitter. Criteria: GeneDx Variant Classification Process June 2021. Collection method: clinical testing. Allele origin: germline. Affected: yes.
Comment: In silico analysis, which includes protein predictors and evolutionary conservation, supports a deleterious effect; Has not been previously published as pathogenic or benign to our knowledge